The following is an entry in ClinVar:

NM_001277115.2(DNAH11):c.2907C>A (p.Phe969Leu)

Gene: DNAH11 (dynein axonemal heavy chain 11; plus strand). Cytogenetic location: 7p15.3.
Variant type: single nucleotide variant.
Coding change: c.2907C>A on transcript NM_001277115.2 (MANE Select); coding-DNA position 2907, C replaced by A.
Protein change: p.Phe969Leu; replaces phenylalanine 969 with leucine.
Molecular consequence: missense variant.
Genome position (GRCh38, 1-based): chr7:21,600,026, C>A. VCF-style: chr7-21600026-C-A. GRCh37 (hg19) VCF-style: chr7-21639644-C-A.
Other names: c.2907C>A (NM_001277115.1); c.2907C>A, p.Phe969Leu (NM_003777.3); short protein forms F969L.
Identifiers: ClinVar variation 2848219 (VCV002848219.3), dbSNP rs777691425, ClinGen allele CA4179462.

ClinVar aggregate classification (germline): Uncertain significance. Review status: criteria provided, multiple submitters, no conflicts (2 of 4 stars). 2 submissions from 2 submitters: Uncertain significance (2). Last evaluated 2025-08-28.

Conditions:
Primary ciliary dyskinesia. Also called: Ciliary dyskinesia. Identifiers: Orphanet 244, MedGen C0008780, MONDO:0016575, HP:0012265.

Allele frequency attached by ClinVar (database versions not stated): ExAC 0.00001.
gnomAD v4.1: 1 of 1,609,212 alleles (0.000062%); highest among the groups gnomAD compares: Admixed American, 0.0017%; no homozygotes.

Submissions (2):

Ambry Genetics
Classification: Uncertain significance for Primary ciliary dyskinesia. Last evaluated: 2025-08-28. Review status: criteria provided, single submitter. Criteria: Ambry Variant Classification Scheme 2023. Collection method: clinical testing. Allele origin: germline.

Labcorp Genetics (formerly Invitae), Labcorp
Classification: Uncertain significance for Primary ciliary dyskinesia. Last evaluated: 2025-03-03. Review status: criteria provided, single submitter. Criteria: Invitae Variant Classification Sherloc (09022015). Collection method: clinical testing. Allele origin: germline.
Comment: This sequence change replaces phenylalanine, which is neutral and non-polar, with leucine, which is neutral and non-polar, at codon 969 of the DNAH11 protein (p.Phe969Leu). This variant is present in population databases (rs777691425, gnomAD 0.003%). This variant has not been reported in the literature in individuals affected with DNAH11-related conditions. ClinVar contains an entry for this variant (Variation ID: 2848219). Invitae Evidence Modeling of protein sequence and biophysical properties (such as structural, functional, and spatial information, amino acid conservation, physicochemical variation, residue mobility, and thermodynamic stability) indicates that this missense variant is not expected to disrupt DNAH11 protein function with a negative predictive value of 95%. In summary, the available evidence is currently insufficient to determine the role of this variant in disease. Therefore, it has been classified as a Variant of Uncertain Significance.